The following is an entry in ClinVar:

NM_005476.7(GNE):c.1817-2A>G

Gene: GNE (glucosamine (UDP-N-acetyl)-2-epimerase/N-acetylmannosamine kinase; minus strand). Cytogenetic location: 9p13.3.
Variant type: single nucleotide variant.
Coding change: c.1817-2A>G on transcript NM_005476.7 (MANE Select); the canonical splice acceptor site of the intron before coding-DNA position 1817, A replaced by G.
Molecular consequence: splice acceptor variant.
Genome position (GRCh38, 1-based): chr9:36,218,301, T>C on the plus strand (A>G on the coding strand, the complement: GNE is on the minus strand). VCF-style: chr9-36218301-T-C. GRCh37 (hg19) VCF-style: chr9-36218298-T-C.
Other names: c.1640-2A>G (NM_001190388.2, NM_001374798.1); c.1910-2A>G (NM_001128227.3); c.1487-2A>G (NM_001190384.3); c.1664-2A>G (NM_001374797.1); c.1595-2A>G (NM_001190383.3).
Identifiers: ClinVar variation 2941255 (VCV002941255.3), dbSNP rs2489592662, ClinGen allele CA373425304.

ClinVar aggregate classification (germline): Likely pathogenic (1 of 4 stars; one submission).

Conditions:
Sialuria. Also called: SIALURIA, FRENCH TYPE; Sialic Acid Storage Disease. Identifiers: Orphanet 3166, MedGen C0342853, MONDO:0010028, OMIM 269921.
GNE myopathy (NM). Also called: NONAKA DISTAL MYOPATHY; INCLUSION BODY MYOPATHY, HEREDITARY, AUTOSOMAL RECESSIVE; INCLUSION BODY MYOPATHY 2, AUTOSOMAL RECESSIVE; MYOPATHY, DISTAL, WITH OR WITHOUT RIMMED VACUOLES; IBM 2; Inclusion body myopathy autosomal recessive. Identifiers: Orphanet 602, MedGen C1853926, MONDO:0011603, OMIM 605820.

Submission:

Labcorp Genetics (formerly Invitae), Labcorp
Classification: Likely pathogenic for Sialuria; GNE myopathy. Last evaluated: 2022-11-03. Review status: criteria provided, single submitter. Criteria: Invitae Variant Classification Sherloc (09022015). Collection method: clinical testing. Allele origin: germline.
Comment: In summary, the currently available evidence indicates that the variant is pathogenic, but additional data are needed to prove that conclusively. Therefore, this variant has been classified as Likely Pathogenic. Algorithms developed to predict the effect of sequence changes on RNA splicing suggest that this variant may disrupt the consensus splice site. This variant has not been reported in the literature in individuals affected with GNE-related conditions. This variant is not present in population databases (gnomAD no frequency). This sequence change affects an acceptor splice site in intron 10 of the GNE gene. It is expected to disrupt RNA splicing. Variants that disrupt the donor or acceptor splice site typically lead to a loss of protein function (PMID: 16199547), and loss-of-function variants in GNE are known to be pathogenic (PMID: 24027297).

Literature cited by the submitters: PubMed 16199547; PubMed 24027297.